The following is an entry in ClinVar:

NM_004698.4(PRPF3):c.1283-1G>A

Gene: PRPF3 (pre-mRNA processing factor 3; plus strand). Cytogenetic location: 1q21.2.
Variant type: single nucleotide variant.
Coding change: c.1283-1G>A on transcript NM_004698.4 (MANE Select); the canonical splice acceptor site of the intron before coding-DNA position 1283, G replaced by A.
Molecular consequence: splice acceptor variant.
Genome position (GRCh38, 1-based): chr1:150,343,308, G>A. VCF-style: chr1-150343308-G-A. GRCh37 (hg19) VCF-style: chr1-150315784-G-A.
Other names: c.878-1G>A (NM_001350529.1).
Identifiers: ClinVar variation 2747842 (VCV002747842.3), dbSNP rs2525215751, ClinGen allele CA342279245.

ClinVar aggregate classification (germline): Likely pathogenic (1 of 4 stars; one submission).

Submission:

Labcorp Genetics (formerly Invitae), Labcorp
Classification: Likely pathogenic. Last evaluated: 2023-07-28. Review status: criteria provided, single submitter. Criteria: Invitae Variant Classification Sherloc (09022015). Collection method: clinical testing. Allele origin: germline.
Comment: In summary, the currently available evidence indicates that the variant is pathogenic, but additional data are needed to prove that conclusively. Therefore, this variant has been classified as Likely Pathogenic. This sequence change affects an acceptor splice site in intron 9 of the PRPF3 gene. It is expected to disrupt RNA splicing. Variants that disrupt the donor or acceptor splice site typically lead to a loss of protein function (PMID: 16199547), and loss-of-function variants in PRPF3 are known to be pathogenic (PMID: 17932117, 21378395, 32531858, 35138024). This variant is not present in population databases (gnomAD no frequency). This variant has not been reported in the literature in individuals affected with PRPF3-related conditions. Algorithms developed to predict the effect of sequence changes on RNA splicing suggest that this variant may disrupt the consensus splice site.

Literature cited by the submitters: PubMed 16199547; PubMed 17932117; PubMed 21378395; PubMed 32531858; PubMed 35138024.